The following is an entry in ClinVar:

ClinVar aggregate classification (germline): Conflicting classifications of pathogenicity. Review status: criteria provided, conflicting classifications (1 of 4 stars). 9 submissions from 9 submitters: Uncertain significance (1); Benign (1); Likely benign (6). 1 of the submissions does not count toward it. Last evaluated 2025-09-28.

Conditions:
Marfan syndrome (MFS). Also called: Marfan syndrome, classic; Marfan syndrome type 1; Marfan's syndrome; MARFAN SYNDROME, TYPE I; FBN1-Related Marfan Syndrome. Identifiers: Orphanet 284963, Orphanet 558, MedGen C0024796, MONDO:0007947, OMIM 154700.
Familial thoracic aortic aneurysm and aortic dissection (TAAD). Also called: Thoracic aortic aneurysms and dissections. Identifiers: Orphanet 91387, MedGen C4707243, MONDO:0019625.
FBN1-related disorder. Also called: FBN1-related disorders.

Allele frequency attached by ClinVar (database versions not stated): TOPMed 0.00041; 1000 Genomes Project 30x 0.00031.
gnomAD v4.1: 153 of 1,613,830 alleles (0.0095%); highest among the groups gnomAD compares: African/African-American, 0.19%; no homozygotes.

Submissions (9):

Labcorp Genetics (formerly Invitae), Labcorp
Classification: Likely benign for Marfan syndrome; Familial thoracic aortic aneurysm and aortic dissection. Last evaluated: 2025-09-28. Review status: criteria provided, single submitter. Criteria: Invitae Variant Classification Sherloc (09022015). Collection method: clinical testing. Allele origin: germline.

ARUP Laboratories, Molecular Genetics and Genomics, ARUP Laboratories
Classification: Likely benign. Last evaluated: 2025-03-26. Review status: criteria provided, single submitter. Criteria: ARUP Molecular Germline Variant Investigation Process 2024. Collection method: clinical testing. Allele origin: germline.

All of Us Research Program, National Institutes of Health
Classification: Likely benign for Marfan syndrome. Last evaluated: 2024-02-05. Review status: criteria provided, single submitter. Criteria: ACMG Guidelines, 2015. Collection method: clinical testing. Allele origin: germline. Inheritance: Autosomal dominant inheritance. Observed: 18 variant alleles, 18 heterozygotes.
Comment: This study involves interpretation of variants in research participants for the purpose of population health screening. Participant phenotype was not available at the time of variant classification. Additional details can be found in publication PMID: 35346344, PMCID: PMC8962531

Women's Health and Genetics/Laboratory Corporation of America, LabCorp
Classification: Likely benign. Last evaluated: 2023-06-26. Review status: criteria provided, single submitter. Criteria: LabCorp Variant Classification Summary - May 2015. Collection method: clinical testing. Allele origin: germline.
Comment: Variant summary: FBN1 c.6832C>G (p.Pro2278Ala) results in a non-conservative amino acid change located in the EGF-like domain of the encoded protein sequence. Four of five in-silico tools predict a damaging effect of the variant on protein function. The variant allele was found at a frequency of 0.00011 in 251282 control chromosomes, predominantly at a frequency of 0.0017 within the African or African-American subpopulation in the gnomAD database. The observed variant frequency within African or African-American control individuals in the gnomAD database is approximately 15.11 fold of the estimated maximal expected allele frequency for a pathogenic variant in FBN1 causing Marfan Syndrome phenotype (0.00011), strongly suggesting that the variant is a benign polymorphism found primarily in populations of African or African-American origin. c.6832C>G has been reported in the literature in at least one individual affected with clinical features of FBN1-related conditions (Gillis_2017). However, this report does not provide unequivocal conclusions about association of the variant with FBN1-related conditions. To our knowledge, no experimental evidence demonstrating an impact on protein function has been reported. The following publication has been ascertained in the context of this evaluation (PMID: 28659821). Six submitters have cited clinical-significance assessments for this variant to ClinVar after 2014. Two submitters reported the variant as a variant of uncertain significance, while four reported it as likely benign. Based on the evidence outlined above, the variant was classified as likely benign.

CHEO Genetics Diagnostic Laboratory, Children's Hospital of Eastern Ontario
Classification: Benign for Familial thoracic aortic aneurysm and aortic dissection. Last evaluated: 2022-07-07. Review status: criteria provided, single submitter. Criteria: ACMG Guidelines, 2015. Collection method: clinical testing. Allele origin: germline. Study: Canadian Open Genetics Repository.

Color Diagnostics, LLC DBA Color Health
Classification: Likely benign for Familial thoracic aortic aneurysm and aortic dissection. Last evaluated: 2018-12-14. Review status: criteria provided, single submitter. Criteria: ACMG Guidelines, 2015. Collection method: clinical testing. Allele origin: germline.

Center for Human Genetics, Inc
Classification: Uncertain significance for Marfan syndrome. Last evaluated: 2016-11-01. Review status: criteria provided, single submitter. Criteria: ACMG Guidelines, 2015. Collection method: clinical testing. Allele origin: germline. Affected: yes.

GeneDx
Classification: Likely benign. Last evaluated: 2016-09-14. Review status: criteria provided, single submitter. Criteria: GeneDx Variant Classification (06012015). Collection method: clinical testing. Allele origin: germline. Affected: yes.
Comment: This variant is considered likely benign or benign based on one or more of the following criteria: it is a conservative change, it occurs at a poorly conserved position in the protein, it is predicted to be benign by multiple in silico algorithms, and/or has population frequency not consistent with disease.

PreventionGenetics, part of Exact Sciences
Classification: Likely benign for FBN1-related condition. Last evaluated: 2022-11-10. Review status: no assertion criteria provided. Collection method: clinical testing. Allele origin: germline. Not counted in ClinVar's aggregate classification.
Comment: This variant is classified as likely benign based on ACMG/AMP sequence variant interpretation guidelines (Richards et al. 2015 PMID: 25741868, with internal and published modifications).

Literature cited by the submitters: PubMed 28659821 (cited by Women's Health and Genetics/Laboratory Corporation of America, LabCorp).

NM_000138.5(FBN1):c.6832C>G (p.Pro2278Ala)

Gene: FBN1 (fibrillin 1; minus strand). Cytogenetic location: 15q21.1.
Variant type: single nucleotide variant.
Coding change: c.6832C>G on transcript NM_000138.5 (MANE Select); coding-DNA position 6832, C replaced by G.
Protein change: p.Pro2278Ala; replaces proline 2278 with alanine.
Molecular consequence: missense variant.
Genome position (GRCh38, 1-based): chr15:48,430,710, G>C on the plus strand (C>G on the coding strand, the complement: FBN1 is on the minus strand). VCF-style: chr15-48430710-G-C. GRCh37 (hg19) VCF-style: chr15-48722907-G-C.
Other names: short protein forms P2278A.
Identifiers: ClinVar variation 380285 (VCV000380285.31), dbSNP rs363835, ClinGen allele CA057451.
Genomic context (GRCh38, chr15:48,430,710, plus strand): 5'-CTTCCACAGGGATCCTCTTACCTACACAGCCTTCTCCATCAGGTCTCCGCTGATACCCGG[G>C]TCCACAGATGCACATATATGTGCCAATGAGGTTCTTGCATTCCATTTGTTTTTCAGTACA-3'
Protein context (NP_000129.3, residues 2268-2288): LIGTYMCICG[Pro2278Ala]GYQRRPDGEG